The following is an entry in ClinVar:

ClinVar aggregate classification (germline): Uncertain significance. Review status: criteria provided, multiple submitters, no conflicts (2 of 4 stars). 2 submissions from 2 submitters: Uncertain significance (2). Last evaluated 2025-12-20.

Conditions:
Inborn genetic diseases. Identifiers: MedGen C0950123, MeSH D030342.

Allele frequency attached by ClinVar (database versions not stated): gnomAD exomes 0.00002.
gnomAD v4.1: 31 of 1,558,652 alleles (0.002%); highest among the groups gnomAD compares: Middle Eastern, 0.033%; no homozygotes.

Submissions (2):

Labcorp Genetics (formerly Invitae), Labcorp
Classification: Uncertain significance. Last evaluated: 2025-12-20. Review status: criteria provided, single submitter. Criteria: Invitae Variant Classification Sherloc (09022015). Collection method: clinical testing. Allele origin: germline.
Comment: This sequence change replaces proline, which is neutral and non-polar, with leucine, which is neutral and non-polar, at codon 646 of the DVL1 protein (p.Pro646Leu). This variant is present in population databases (no rsID available, gnomAD 0.01%). This variant has not been reported in the literature in individuals affected with DVL1-related conditions. ClinVar contains an entry for this variant (Variation ID: 1403373). Invitae Evidence Modeling of protein sequence and biophysical properties (such as structural, functional, and spatial information, amino acid conservation, physicochemical variation, residue mobility, and thermodynamic stability) indicates that this missense variant is not expected to disrupt DVL1 protein function with a negative predictive value of 80%. In summary, the available evidence is currently insufficient to determine the role of this variant in disease. Therefore, it has been classified as a Variant of Uncertain Significance.

Ambry Genetics
Classification: Uncertain significance for Inborn genetic diseases. Last evaluated: 2024-11-26. Review status: criteria provided, single submitter. Criteria: Ambry Variant Classification Scheme 2023. Collection method: clinical testing. Allele origin: germline.

NM_001330311.2(DVL1):c.2012C>T (p.Pro671Leu)

Gene: DVL1 (dishevelled segment polarity protein 1; minus strand). Cytogenetic location: 1p36.33.
Variant type: single nucleotide variant.
Coding change: c.2012C>T on transcript NM_001330311.2 (MANE Select); coding-DNA position 2012, C replaced by T.
Protein change: p.Pro671Leu; replaces proline 671 with leucine.
Molecular consequence: missense variant.
Genome position (GRCh38, 1-based): chr1:1,336,218, G>A on the plus strand (C>T on the coding strand, the complement: DVL1 is on the minus strand). VCF-style: chr1-1336218-G-A. GRCh37 (hg19) VCF-style: chr1-1271598-G-A.
Other names: c.1937C>T, p.Pro646Leu (NM_004421.3); c.1937C>T (NM_004421.2); short protein forms P646L, P671L.
Identifiers: ClinVar variation 1403373 (VCV001403373.10), dbSNP rs925302561, ClinGen allele CA16749913.